The following is an entry in ClinVar:

ClinVar aggregate classification (germline): Uncertain significance (1 of 4 stars; one submission).

Submission:

GeneDx
Classification: Uncertain significance. Last evaluated: 2024-11-15. Review status: criteria provided, single submitter. Criteria: GeneDx Variant Classification Process June 2021. Collection method: clinical testing. Allele origin: germline. Affected: yes.
Comment: Not observed at significant frequency in large population cohorts (gnomAD); In-frame deletion of 1 amino acid and insertion of 2 incorrect amino acids in a non-repeat region; In silico analysis indicates that this variant does not alter protein structure/function; Has not been previously published as pathogenic or benign to our knowledge; This variant is associated with the following publications: (PMID: 11067845)

NM_005188.4(CBL):c.2137delinsGTAT (p.Thr713delinsValSer)

Gene: CBL (Cbl proto-oncogene; plus strand). Cytogenetic location: 11q23.3.
Variant type: Indel.
Coding change: c.2137delinsGTAT on transcript NM_005188.4 (MANE Select); coding-DNA position 2137, A replaced by GTAT.
Protein change: p.Thr713delinsValSer.
Molecular consequence: inframe indel.
Genome position (GRCh38, 1-based): chr11:119,297,018, A replaced by GTAT. VCF-style: chr11-119297018-A-GTAT. GRCh37 (hg19) VCF-style: chr11-119167728-A-GTAT.
Identifiers: ClinVar variation 3899496 (VCV003899496.1).